The following is an entry in ClinVar:

ClinVar aggregate classification (germline): Uncertain significance (1 of 4 stars; one submission).

Conditions:
Lowe syndrome (OCRL). Also called: LOWE OCULOCEREBRORENAL SYNDROME; PHOSPHATIDYLINOSITOL 4,5-BISPHOSPHATE 5-PHOSPHATASE DEFICIENCY; Oculocerebrorenal Syndrome. Identifiers: Orphanet 534, MedGen C0028860, MONDO:0010645, OMIM 309000.

Submission:

Labcorp Genetics (formerly Invitae), Labcorp
Classification: Uncertain significance for Lowe syndrome. Last evaluated: 2023-02-26. Review status: criteria provided, single submitter. Criteria: Invitae Variant Classification Sherloc (09022015). Collection method: clinical testing. Allele origin: germline.
Comment: In summary, the available evidence is currently insufficient to determine the role of this variant in disease. Therefore, it has been classified as a Variant of Uncertain Significance. Advanced modeling of protein sequence and biophysical properties (such as structural, functional, and spatial information, amino acid conservation, physicochemical variation, residue mobility, and thermodynamic stability) has been performed at Invitae for this missense variant, however the output from this modeling did not meet the statistical confidence thresholds required to predict the impact of this variant on OCRL protein function. This variant has not been reported in the literature in individuals affected with OCRL-related conditions. This variant is not present in population databases (gnomAD no frequency). This sequence change replaces glutamic acid, which is acidic and polar, with glycine, which is neutral and non-polar, at codon 585 of the OCRL protein (p.Glu585Gly).

NM_000276.4(OCRL):c.1754A>G (p.Glu585Gly)

Gene: OCRL (OCRL inositol polyphosphate-5-phosphatase; plus strand). Cytogenetic location: Xq26.1.
Variant type: single nucleotide variant.
Coding change: c.1754A>G on transcript NM_000276.4 (MANE Select); coding-DNA position 1754, A replaced by G.
Protein change: p.Glu585Gly; replaces glutamic acid 585 with glycine.
Molecular consequence: missense variant.
Genome position (GRCh38, 1-based): chrX:129,575,937, A>G. VCF-style: chrX-129575937-A-G. GRCh37 (hg19) VCF-style: chrX-128709914-A-G.
Other names: c.1757A>G, p.Glu586Gly (NM_001318784.2); c.1754A>G, p.Glu585Gly (NM_001587.4); short protein forms E585G, E586G.
Identifiers: ClinVar variation 2887880 (VCV002887880.3), dbSNP rs2521920251, ClinGen allele CA414618938.
Genomic context (GRCh38, chrX:129,575,937, plus strand): 5'-GTCTGTCTGTTATTCCCCAGTTTGTGTTTGAAAATGTGAAGTTTCGGCAACTACAAAAGG[A>G]GAAGTTCCAGATCAGCAACAATGGACAGGTTCCCTGCCATTTTTCTTTCATCCCTAAACT-3'
Protein context (NP_000267.2, residues 575-595): ENVKFRQLQK[Glu585Gly]KFQISNNGQV